The following is an entry in ClinVar:

ClinVar aggregate classification (germline): Uncertain significance. Review status: criteria provided, multiple submitters, no conflicts (2 of 4 stars). 4 submissions from 3 submitters: Uncertain significance (4). Last evaluated 2024-09-10.

Conditions:
Lethal Kniest-like syndrome (DDSH). Also called: Dyssegmental Dysplasia. Identifiers: Orphanet 1865, MedGen C1857100, MONDO:0009140, OMIM 224410.
Schwartz-Jampel syndrome. Also called: Myotonic myopathy dwarfism chondrodystrophy and ocular and facial abnormalities. Identifiers: Orphanet 800, MedGen C0036391, MONDO:0009717.
Inborn genetic diseases. Identifiers: MedGen C0950123, MeSH D030342.

Allele frequency attached by ClinVar (database versions not stated): gnomAD exomes 0.00002; gnomAD 0.00010 and 0.00011; TOPMed 0.00011.
gnomAD v4.1: 149 of 1,611,996 alleles (0.0092%); highest among the groups gnomAD compares: African/African-American, 0.037%; no homozygotes.

Submissions (4):

Ambry Genetics
Classification: Uncertain significance for Inborn genetic diseases. Last evaluated: 2024-09-10. Review status: criteria provided, single submitter. Criteria: Ambry Variant Classification Scheme 2023. Collection method: clinical testing. Allele origin: germline.

GeneDx
Classification: Uncertain significance. Last evaluated: 2019-07-25. Review status: criteria provided, single submitter. Criteria: GeneDx Variant Classification Process June 2021. Collection method: clinical testing. Allele origin: germline. Affected: yes.
Comment: Has not been previously published as pathogenic or benign to our knowledge; In silico analysis, which includes protein predictors and evolutionary conservation, supports that this variant does not alter protein structure/function

Illumina Laboratory Services, Illumina
Classification: Uncertain significance for Lethal Kniest-like syndrome. Last evaluated: 2018-01-13. Review status: criteria provided, single submitter. Criteria: ICSL Variant Classification Criteria 13 December 2019. Collection method: clinical testing. Allele origin: germline.

Illumina Laboratory Services, Illumina
Classification: Uncertain significance for Schwartz-Jampel syndrome type 1. Last evaluated: 2018-01-13. Review status: criteria provided, single submitter. Criteria: ICSL Variant Classification Criteria 13 December 2019. Collection method: clinical testing. Allele origin: germline.

NM_005529.7(HSPG2):c.6917C>T (p.Ala2306Val)

Gene: HSPG2 (heparan sulfate proteoglycan 2; minus strand). Cytogenetic location: 1p36.12.
Variant type: single nucleotide variant.
Coding change: c.6917C>T on transcript NM_005529.7 (MANE Select); coding-DNA position 6917, C replaced by T.
Protein change: p.Ala2306Val; replaces alanine 2306 with valine.
Molecular consequence: missense variant.
Genome position (GRCh38, 1-based): chr1:21,851,880, G>A on the plus strand (C>T on the coding strand, the complement: HSPG2 is on the minus strand). VCF-style: chr1-21851880-G-A. GRCh37 (hg19) VCF-style: chr1-22178373-G-A.
Other names: c.6920C>T, p.Ala2307Val (NM_001291860.2); short protein forms A2306V, A2307V.
Identifiers: ClinVar variation 295805 (VCV000295805.7), dbSNP rs758311848, ClinGen allele CA671375.